The following is an entry in ClinVar:

NM_000466.3(PEX1):c.2393G>A (p.Arg798His)

Gene: PEX1 (peroxisomal biogenesis factor 1; minus strand). Cytogenetic location: 7q21.2.
Variant type: single nucleotide variant.
Coding change: c.2393G>A on transcript NM_000466.3 (MANE Select); coding-DNA position 2393, G replaced by A.
Protein change: p.Arg798His; replaces arginine 798 with histidine.
Molecular consequence: missense variant.
Genome position (GRCh38, 1-based): chr7:92,501,913, C>T on the plus strand (G>A on the coding strand, the complement: PEX1 is on the minus strand). VCF-style: chr7-92501913-C-T. GRCh37 (hg19) VCF-style: chr7-92131227-C-T.
Other names: c.2222G>A, p.Arg741His (NM_001282677.2); c.1769G>A, p.Arg590His (NM_001282678.2); short protein forms R590H, R798H, R741H.
Identifiers: ClinVar variation 2149035 (VCV002149035.2), dbSNP rs535789511, ClinGen allele CA4341139.

ClinVar aggregate classification (germline): Uncertain significance. Review status: criteria provided, single submitter (1 of 4 stars). 2 submissions from 2 submitters: Uncertain significance (1). 1 of the submissions does not count toward it. Last evaluated 2022-05-07.

Conditions:
Optic atrophy. Identifiers: MedGen C0029124, MONDO:0003608, HP:0000648.
Zellweger spectrum disorders (ZS). Also called: Zellweger Spectrum Disorder; Zellweger Spectrum; Zellweger syndrome; Zellweger Spectrum Disorder (ZSD). Identifiers: Orphanet 912, MedGen C0043459, MONDO:0019609.

Allele frequency attached by ClinVar (database versions not stated): TOPMed 0.00001; ExAC 0.00002; gnomAD 0.00003; 1000 Genomes Project 30x 0.00016; 1000 Genomes Project 0.00020.
gnomAD v4.1: 34 of 1,613,756 alleles (0.0021%); highest among the groups gnomAD compares: South Asian, 0.0099%; no homozygotes.

Submissions (2):

Labcorp Genetics (formerly Invitae), Labcorp
Classification: Uncertain significance for Zellweger spectrum disorders. Last evaluated: 2022-05-07. Review status: criteria provided, single submitter. Criteria: Invitae Variant Classification Sherloc (09022015). Collection method: clinical testing. Allele origin: germline.
Comment: This sequence change replaces arginine, which is basic and polar, with histidine, which is basic and polar, at codon 798 of the PEX1 protein (p.Arg798His). This variant is present in population databases (rs535789511, gnomAD 0.01%). This variant has not been reported in the literature in individuals affected with PEX1-related conditions. Advanced modeling of protein sequence and biophysical properties (such as structural, functional, and spatial information, amino acid conservation, physicochemical variation, residue mobility, and thermodynamic stability) performed at Invitae indicates that this missense variant is not expected to disrupt PEX1 protein function. In summary, the available evidence is currently insufficient to determine the role of this variant in disease. Therefore, it has been classified as a Variant of Uncertain Significance.

Institute of Human Genetics, Univ. Regensburg, Univ. Regensburg
Classification: Uncertain significance for Optic atrophy. Last evaluated: 2022-01-01. Review status: no assertion criteria provided. Criteria: ACMG Guidelines, 2015. Collection method: clinical testing. Allele origin: germline. Affected: yes. Not counted in ClinVar's aggregate classification.